The following is an entry in ClinVar:

ClinVar aggregate classification (germline): Likely benign (0 of 4 stars; one submission).

Conditions:
DLL1-related disorder. Also called: DLL1-related condition.

Submission:

PreventionGenetics, part of Exact Sciences
Classification: Likely benign for DLL1-related condition. Last evaluated: 2020-08-10. Review status: no assertion criteria provided. Collection method: clinical testing. Allele origin: germline.
Comment: This variant is classified as likely benign based on ACMG/AMP sequence variant interpretation guidelines (Richards et al. 2015 PMID: 25741868, with internal and published modifications).

NM_005618.4(DLL1):c.285C>T (p.Pro95=)

Gene: DLL1 (delta like canonical Notch ligand 1; minus strand). Cytogenetic location: 6q27.
Variant type: single nucleotide variant.
Coding change: c.285C>T on transcript NM_005618.4 (MANE Select); coding-DNA position 285, C replaced by T.
Protein change: p.Pro95=; no amino-acid change (proline 95 retained).
Molecular consequence: synonymous variant.
Genome position (GRCh38, 1-based): chr6:170,289,578, G>A on the plus strand (C>T on the coding strand, the complement: DLL1 is on the minus strand). VCF-style: chr6-170289578-G-A. GRCh37 (hg19) VCF-style: chr6-170598666-G-A.
Identifiers: ClinVar variation 3033045 (VCV003033045.2), dbSNP rs1583157565, ClinGen allele CA453311928.
Genomic context (GRCh38, chr6:170,289,578, plus strand): 5'-GGTGAAGCCGAAGGGGAAGCGGATGGGGTTGCTGAACGCGGAGTCGGCGCCCCCGCCGTC[G>A]GGCAGACTGAAGGAGTCGACGCCCAGCACGGGGGTGACGGCGCTGCCGTAGGTGCAGGGC-3'
Protein context (NP_005609.3, residues 85-105): PVLGVDSFSL[Pro95=]DGGGADSAFS